The following is an entry in ClinVar:

NM_001065.4(TNFRSF1A):c.1324T>A (p.Cys442Ser)

Gene: TNFRSF1A (TNF receptor superfamily member 1A; minus strand). Cytogenetic location: 12p13.31.
Variant type: single nucleotide variant.
Coding change: c.1324T>A on transcript NM_001065.4 (MANE Select); coding-DNA position 1324, T replaced by A.
Protein change: p.Cys442Ser; replaces cysteine 442 with serine.
Molecular consequence: missense variant. On other transcripts: non-coding transcript variant (1).
Genome position (GRCh38, 1-based): chr12:6,329,356, A>T on the plus strand (T>A on the coding strand, the complement: TNFRSF1A is on the minus strand). VCF-style: chr12-6329356-A-T. GRCh37 (hg19) VCF-style: chr12-6438522-A-T.
Other names: c.1000T>A, p.Cys334Ser (NM_001346091.2); c.865T>A, p.Cys289Ser (NM_001346092.2); short protein forms C289S, C334S, C442S.
Identifiers: ClinVar variation 1690691 (VCV001690691.5), dbSNP rs2136812027, ClinGen allele CA383544346.

ClinVar aggregate classification (germline): Uncertain significance. Review status: criteria provided, multiple submitters, no conflicts (2 of 4 stars). 2 submissions from 2 submitters: Uncertain significance (2). Last evaluated 2024-01-15.

Conditions:
TNF receptor-associated periodic fever syndrome (TRAPS) (FPF). Also called: FAMILIAL HIBERNIAN FEVER; TNF RECEPTOR-ASSOCIATED PERIODIC SYNDROME; TUMOR NECROSIS FACTOR RECEPTOR-ASSOCIATED PERIODIC SYNDROME; TNF Receptor-Associated Periodic Fever Syndrome; TNF receptor 1-associated periodic fever syndrome; Autosomal Dominant Familial Periodic Fever. Identifiers: Orphanet 32960, MedGen C1275126, MONDO:0007727, OMIM 142680.

Submissions (2):

Labcorp Genetics (formerly Invitae), Labcorp
Classification: Uncertain significance for TNF receptor-associated periodic fever syndrome (TRAPS). Last evaluated: 2024-01-15. Review status: criteria provided, single submitter. Criteria: Invitae Variant Classification Sherloc (09022015). Collection method: clinical testing. Allele origin: germline.
Comment: This sequence change replaces cysteine, which is neutral and slightly polar, with serine, which is neutral and polar, at codon 442 of the TNFRSF1A protein (p.Cys442Ser). This variant is not present in population databases (gnomAD no frequency). This variant has not been reported in the literature in individuals affected with TNFRSF1A-related conditions. ClinVar contains an entry for this variant (Variation ID: 1690691). Advanced modeling of protein sequence and biophysical properties (such as structural, functional, and spatial information, amino acid conservation, physicochemical variation, residue mobility, and thermodynamic stability) performed at Invitae indicates that this missense variant is not expected to disrupt TNFRSF1A protein function with a negative predictive value of 95%. In summary, the available evidence is currently insufficient to determine the role of this variant in disease. Therefore, it has been classified as a Variant of Uncertain Significance.

Laboratorio de Genetica e Diagnostico Molecular, Hospital Israelita Albert Einstein
Classification: Uncertain significance. Last evaluated: 2019-03-18. Review status: criteria provided, single submitter. Criteria: ACMG Guidelines, 2015. Collection method: clinical testing. Allele origin: germline. Affected: yes.
Comment: ACMG classification criteria: PM1, PM2, PP3